The following is an entry in ClinVar:

NM_004370.6(COL12A1):c.3070G>A (p.Val1024Ile)

Gene: COL12A1 (collagen type XII alpha 1 chain; minus strand). Cytogenetic location: 6q13.
Variant type: single nucleotide variant.
Coding change: c.3070G>A on transcript NM_004370.6 (MANE Select); coding-DNA position 3070, G replaced by A.
Protein change: p.Val1024Ile; replaces valine 1024 with isoleucine.
Molecular consequence: missense variant. On other transcripts: intron variant (1).
Genome position (GRCh38, 1-based): chr6:75,156,437, C>T on the plus strand (G>A on the coding strand, the complement: COL12A1 is on the minus strand). VCF-style: chr6-75156437-C-T. GRCh37 (hg19) VCF-style: chr6-75866153-C-T.
Other names: c.74-3955G>A (NM_080645.3); short protein forms V1024I.
Identifiers: ClinVar variation 956450 (VCV000956450.18), dbSNP rs200985706, ClinGen allele CA3893807.
Genomic context (GRCh38, chr6:75,156,437, plus strand): 5'-GCACCTTAGCAACCATTTGCTTCCCTCTCCCATGAGGGCGATAGACAACACGGTAGTTGA[C>T]GACTTTCCCTGGTGCTGGTTTCCATGTAACTCTCATTGTGTTTTCTGTTTCTTCATCTAC-3'
Protein context (NP_004361.3, residues 1014-1034): VTWKPAPGKV[Val1024Ile]NYRVVYRPHG

ClinVar aggregate classification (germline): Conflicting classifications of pathogenicity. Review status: criteria provided, conflicting classifications (1 of 4 stars). 4 submissions from 4 submitters: Uncertain significance (3); Likely benign (1). Last evaluated 2026-01-05.

Conditions:
Ullrich congenital muscular dystrophy 2 (UCMD2). Identifiers: Orphanet 75840, MedGen C4225314, MONDO:0014654, OMIM 616470.
Bethlem myopathy 2 (BTHLM2). Identifiers: Orphanet 536516, Orphanet 610, MedGen C4225313, MONDO:0034022, OMIM 616471.

Allele frequency attached by ClinVar (database versions not stated): TOPMed 0.00001; 1000 Genomes Project 30x 0.00016; 1000 Genomes Project 0.00020.
gnomAD v4.1: 46 of 1,613,922 alleles (0.0029%); highest among the groups gnomAD compares: East Asian, 0.0067%; no homozygotes.

Submissions (4):

Labcorp Genetics (formerly Invitae), Labcorp
Classification: Likely benign for Bethlem myopathy 2; Ullrich congenital muscular dystrophy 2. Last evaluated: 2026-01-05. Review status: criteria provided, single submitter. Criteria: Invitae Variant Classification Sherloc (09022015). Collection method: clinical testing. Allele origin: germline.

GeneDx
Classification: Uncertain significance. Last evaluated: 2025-06-02. Review status: criteria provided, single submitter. Criteria: GeneDx Variant Classification Process June 2021. Collection method: clinical testing. Allele origin: germline. Affected: yes.
Comment: In silico analysis suggests that this missense variant does not alter protein structure/function; Has not been previously published as pathogenic or benign to our knowledge

Revvity Omics, Revvity
Classification: Uncertain significance. Last evaluated: 2024-05-03. Review status: criteria provided, single submitter. Criteria: ACMG Guidelines, 2015. Collection method: clinical testing. Allele origin: germline.

Mayo Clinic Laboratories, Mayo Clinic
Classification: Uncertain significance. Last evaluated: 2021-01-07. Review status: criteria provided, single submitter. Criteria: ACMG Guidelines, 2015. Collection method: clinical testing. Allele origin: germline. Observed: 1 variant allele.